The following is an entry in ClinVar:

NM_000153.4(GALC):c.392G>A (p.Trp131Ter)

Gene: GALC (galactosylceramidase; minus strand). Cytogenetic location: 14q31.3.
Variant type: single nucleotide variant.
Coding change: c.392G>A on transcript NM_000153.4 (MANE Select); coding-DNA position 392, G replaced by A.
Protein change: p.Trp131Ter; replaces tryptophan 131 with a stop codon.
Molecular consequence: nonsense.
Genome position (GRCh38, 1-based): chr14:87,986,539, C>T on the plus strand (G>A on the coding strand, the complement: GALC is on the minus strand). VCF-style: chr14-87986539-C-T. GRCh37 (hg19) VCF-style: chr14-88452883-C-T.
Other names: c.323G>A, p.Trp108Ter (NM_001201401.2); c.314G>A, p.Trp105Ter (NM_001201402.2); short protein forms W105*, W108*, W131*.
Identifiers: ClinVar variation 2137616 (VCV002137616.4), dbSNP rs2503519059, ClinGen allele CA390752550.
Genomic context (GRCh38, chr14:87,986,539, plus strand): 5'-CATTTCTTACCAATGAGTGTAATATTGGGATTCCTCTTCTTAGCTTCTTTCATCAACCAC[C>T]ACTCGTATCCTCGGAAATAATTCTCATCTAGTGCATAATGCATGTGGGAGGGCTCAGTGC-3'

ClinVar aggregate classification (germline): Pathogenic (1 of 4 stars; one submission).

Conditions:
Galactosylceramide beta-galactosidase deficiency. Also called: Krabbe Disease; GALACTOCEREBROSIDASE DEFICIENCY; GALC DEFICIENCY; GLOBOID CELL LEUKOENCEPHALOPATHY; Leukodystrophy, Globoid Cell. Identifiers: Orphanet 487, MedGen C0023521, MONDO:0009499, OMIM 245200.

Allele frequency attached by ClinVar (database versions not stated): gnomAD 0.00001.

Submission:

Labcorp Genetics (formerly Invitae), Labcorp
Classification: Pathogenic for Galactosylceramide beta-galactosidase deficiency. Last evaluated: 2022-09-20. Review status: criteria provided, single submitter. Criteria: Invitae Variant Classification Sherloc (09022015). Collection method: clinical testing. Allele origin: germline.
Comment: This sequence change creates a premature translational stop signal (p.Trp131*) in the GALC gene. It is expected to result in an absent or disrupted protein product. Loss-of-function variants in GALC are known to be pathogenic (PMID: 7437911, 9272171, 16607461). This variant is not present in population databases (gnomAD no frequency). This premature translational stop signal has been observed in individual(s) with Krabbe disease (PMID: 16607461). This variant is also known as W115X. For these reasons, this variant has been classified as Pathogenic.

Literature cited by the submitters: PubMed 7437911; PubMed 9272171; PubMed 16607461.